The following is an entry in ClinVar:

NM_001039141.3(TRIOBP):c.4497T>G (p.Thr1499=)

Gene: TRIOBP (TRIO and F-actin binding protein; plus strand). Cytogenetic location: 22q13.1.
Variant type: single nucleotide variant.
Coding change: c.4497T>G on transcript NM_001039141.3 (MANE Select); coding-DNA position 4497, T replaced by G.
Protein change: p.Thr1499=; no amino-acid change (threonine 1499 retained).
Molecular consequence: synonymous variant.
Genome position (GRCh38, 1-based): chr22:37,734,833, T>G. VCF-style: chr22-37734833-T-G. GRCh37 (hg19) VCF-style: chr22-38130840-T-G.
Identifiers: ClinVar variation 228030 (VCV000228030.25), dbSNP rs139919698, ClinGen allele CA10224394.
Genomic context (GRCh38, chr22:37,734,833, plus strand): 5'-CACTTCCAGGGAGTACAAGGAGAGCTGGGGGCAGCCAGAGGCCTGGGAGGAGAAGCCCAC[T>G]CATGAGCTCCCCAGAGAACTAGGAAAGAGAAGCCCACTCACGAGCCCCCCTGAGAACTGG-3'
Protein context (NP_001034230.1, residues 1489-1509): GQPEAWEEKP[Thr1499=]HELPRELGKR

ClinVar aggregate classification (germline): Likely benign. Review status: criteria provided, multiple submitters, no conflicts (2 of 4 stars). 5 submissions from 5 submitters: Likely benign (5). Last evaluated 2025-08-20.

Conditions:
TRIOBP-related disorder. Also called: TRIOBP-related condition.

Allele frequency attached by ClinVar (database versions not stated): gnomAD exomes 0.00004 and 0.00007; ExAC 0.00007; ESP Exome Variant Server 0.00017; gnomAD 0.00034; TOPMed 0.00036; 1000 Genomes Project 30x 0.00094; 1000 Genomes Project 0.00120.
gnomAD v4.1: 109 of 1,612,536 alleles (0.0068%); highest among the groups gnomAD compares: African/African-American, 0.12%; 2 homozygotes.

Submissions (5):

PreventionGenetics, part of Exact Sciences
Classification: Likely benign for TRIOBP-related condition. Last evaluated: 2025-08-20. Review status: criteria provided, single submitter. Criteria: ACMG Guidelines, 2015. Collection method: clinical testing. Allele origin: germline.
Comment: This variant is classified as likely benign based on ACMG/AMP sequence variant interpretation guidelines (Richards et al. 2015 PMID: 25741868, with internal and published modifications).

CeGaT Center for Human Genetics Tuebingen
Classification: Likely benign. Last evaluated: 2025-08-01. Review status: criteria provided, single submitter. Criteria: CeGaT Center For Human Genetics Tuebingen Variant Classification Criteria Version 2. Collection method: clinical testing. Allele origin: germline. Affected: yes. Observed: 1 variant allele.
Comment: TRIOBP: BP4, BP7

Labcorp Genetics (formerly Invitae), Labcorp
Classification: Likely benign. Last evaluated: 2024-10-03. Review status: criteria provided, single submitter. Criteria: Invitae Variant Classification Sherloc (09022015). Collection method: clinical testing. Allele origin: germline.

GeneDx
Classification: Likely benign. Last evaluated: 2020-07-21. Review status: criteria provided, single submitter. Criteria: GeneDx Variant Classification Process June 2021. Collection method: clinical testing. Allele origin: germline. Affected: yes.

Laboratory for Molecular Medicine, Mass General Brigham Personalized Medicine
Classification: Likely benign. Last evaluated: 2015-07-20. Review status: criteria provided, single submitter. Criteria: LMM Criteria. Collection method: clinical testing. Allele origin: germline. Observed: 1 variant allele.
Comment: p.Thr1499Thr in exon 9 of TRIOBP: This variant is not expected to have clinical significance because it does not alter an amino acid residue, is not located wit hin the splice consensus sequence, and has been identified in 8/8412 African chr omosomes Exome Aggregation Consortium (ExAC; dbS NP rs139919698).